The following is an entry in ClinVar:

ClinVar aggregate classification (germline): Uncertain significance (1 of 4 stars; one submission).

Submission:

Ambry Genetics
Classification: Uncertain significance. Last evaluated: 2024-10-23. Review status: criteria provided, single submitter. Criteria: Ambry Variant Classification Scheme 2023. Collection method: clinical testing. Allele origin: germline.
Comment: The p.L1642R variant (also known as c.4925T>G), located in coding exon 16 of the POLQ gene, results from a T to G substitution at nucleotide position 4925. The leucine at codon 1642 is replaced by arginine, an amino acid with dissimilar properties. This amino acid position is conserved. In addition, this alteration is predicted to be deleterious by in silico analysis. Based on the available evidence, the clinical significance of this variant remains unclear.

NM_199420.4(POLQ):c.4925T>G (p.Leu1642Arg)

Gene: POLQ (DNA polymerase theta; minus strand). Cytogenetic location: 3q13.33.
Variant type: single nucleotide variant.
Coding change: c.4925T>G on transcript NM_199420.4 (MANE Select); coding-DNA position 4925, T replaced by G.
Protein change: p.Leu1642Arg; replaces leucine 1642 with arginine.
Molecular consequence: missense variant.
Genome position (GRCh38, 1-based): chr3:121,488,006, A>C on the plus strand (T>G on the coding strand, the complement: POLQ is on the minus strand). VCF-style: chr3-121488006-A-C. GRCh37 (hg19) VCF-style: chr3-121206853-A-C.
Other names: short protein forms L1642R.
Identifiers: ClinVar variation 3422389 (VCV003422389.1).